The following is an entry in ClinVar:

ClinVar aggregate classification (germline): Uncertain significance (1 of 4 stars; one submission).

Conditions:
BAP1-related tumor predisposition syndrome (TPDS1). Also called: COMMON Syndrome; TUMOR PREDISPOSITION SYNDROME 1; Tumor susceptibility linked to germline BAP1 mutations; BAP1 tumor predisposition syndrome. Identifiers: Orphanet 289539, MedGen C3280492, MONDO:0013692, OMIM 614327.

Submission:

Labcorp Genetics (formerly Invitae), Labcorp
Classification: Uncertain significance for BAP1-related tumor predisposition syndrome. Last evaluated: 2024-01-30. Review status: criteria provided, single submitter. Criteria: Invitae Variant Classification Sherloc (09022015). Collection method: clinical testing. Allele origin: germline.
Comment: This sequence change replaces alanine, which is neutral and non-polar, with serine, which is neutral and polar, at codon 288 of the BAP1 protein (p.Ala288Ser). This variant is not present in population databases (gnomAD no frequency). This variant has not been reported in the literature in individuals affected with BAP1-related conditions. Advanced modeling of protein sequence and biophysical properties (such as structural, functional, and spatial information, amino acid conservation, physicochemical variation, residue mobility, and thermodynamic stability) performed at Invitae indicates that this missense variant is not expected to disrupt BAP1 protein function with a negative predictive value of 80%. In summary, the available evidence is currently insufficient to determine the role of this variant in disease. Therefore, it has been classified as a Variant of Uncertain Significance.

NM_004656.4(BAP1):c.862G>T (p.Ala288Ser)

Gene: BAP1 (BRCA1 associated deubiquitinase 1; minus strand). Cytogenetic location: 3p21.1.
Variant type: single nucleotide variant.
Coding change: c.862G>T on transcript NM_004656.4 (MANE Select); coding-DNA position 862, G replaced by T.
Protein change: p.Ala288Ser; replaces alanine 288 with serine.
Molecular consequence: missense variant.
Genome position (GRCh38, 1-based): chr3:52,405,834, C>A on the plus strand (G>T on the coding strand, the complement: BAP1 is on the minus strand). VCF-style: chr3-52405834-C-A. GRCh37 (hg19) VCF-style: chr3-52439850-C-A.
Other names: c.808G>T, p.Ala270Ser (NM_001410772.1); short protein forms A270S, A288S.
Identifiers: ClinVar variation 2714215 (VCV002714215.3), dbSNP rs2153227241, ClinGen allele CA353106720.